The following is an entry in ClinVar:

ClinVar aggregate classification (germline): Uncertain significance (1 of 4 stars; one submission).

Allele frequency attached by ClinVar (database versions not stated): gnomAD exomes below 0.00001; gnomAD 0.00001.
gnomAD v4.1: 2 of 1,613,786 alleles (0.00012%); highest among the groups gnomAD compares: African/African-American, 0.0027%; no homozygotes.

Submission:

GeneDx
Classification: Uncertain significance. Last evaluated: 2024-12-08. Review status: criteria provided, single submitter. Criteria: GeneDx Variant Classification Process June 2021. Collection method: clinical testing. Allele origin: germline. Affected: yes.
Comment: Not observed at significant frequency in large population cohorts (gnomAD); In silico analysis supports that this missense variant has a deleterious effect on protein structure/function; Has not been previously published as pathogenic or benign to our knowledge

NM_024417.5(FDXR):c.475G>A (p.Gly159Ser)

Gene: FDXR (ferredoxin reductase; minus strand). Cytogenetic location: 17q25.1.
Variant type: single nucleotide variant.
Coding change: c.475G>A on transcript NM_024417.5 (MANE Select); coding-DNA position 475, G replaced by A.
Protein change: p.Gly159Ser; replaces glycine 159 with serine.
Molecular consequence: missense variant. On other transcripts: non-coding transcript variant (1).
Genome position (GRCh38, 1-based): chr17:74,866,163, C>T on the plus strand (G>A on the coding strand, the complement: FDXR is on the minus strand). VCF-style: chr17-74866163-C-T. GRCh37 (hg19) VCF-style: chr17-72862285-C-T.
Other names: c.604G>A, p.Gly202Ser (NM_001258012.4); c.568G>A, p.Gly190Ser (NM_001258013.4); c.451G>A, p.Gly151Ser (NM_001258014.4); c.355G>A, p.Gly119Ser (NM_001258015.3); c.319G>A, p.Gly107Ser (NM_001258016.3); c.475G>A, p.Gly159Ser (NM_004110.6); short protein forms G107S, G119S, G151S, G159S, G190S, G202S.
Identifiers: ClinVar variation 1703927 (VCV001703927.3), dbSNP rs2038173748, ClinGen allele CA400973697.
Genomic context (GRCh38, chr17:74,866,163, plus strand): 5'-AGGCAGCGGGCGTGCTCCCCATACTCACCTCCTGGTTCTCAGGAAGCCCGTTGTACCAGC[C>T]CACGAAGGCCCGGGCGGAGCACACACCTGGCAGCTCCTCACCAGGAATTTCCAGGGCCCG-3'
Protein context (NP_077728.3, residues 149-169): PGVCSARAFV[Gly159Ser]WYNGLPENQE